The following is an entry in ClinVar:

ClinVar aggregate classification (germline): Likely pathogenic (1 of 4 stars; one submission).

Conditions:
Char syndrome (CHAR). Also called: PATENT DUCTUS ARTERIOSUS WITH FACIAL DYSMORPHISM AND ABNORMAL FIFTH DIGITS. Identifiers: Orphanet 46627, MedGen C1868570, MONDO:0008209, OMIM 169100.
Patent ductus arteriosus 2 (PDA2). Identifiers: MedGen C4284595, MONDO:0014878, OMIM 617035.

Submission:

Juno Genomics, Hangzhou Juno Genomics, Inc
Classification: Likely pathogenic for Char syndrome; Patent ductus arteriosus 2. Review status: criteria provided, single submitter. Criteria: ACMG Guidelines, 2015. Collection method: clinical testing. Allele origin: germline.
Comment: Null variant in a gene where loss of function (LOF) is a known mechanism of disease.;Absent from controls (or at extremely low frequency if recessive) in Genome Aggregation Database.

NM_003221.4(TFAP2B):c.923_924dup (p.Thr309fs)

Gene: TFAP2B (transcription factor AP-2 beta; plus strand). Cytogenetic location: 6p12.3.
Variant type: Duplication.
Coding change: c.923_924dup on transcript NM_003221.4 (MANE Select); coding-DNA positions 923 to 924, 2 bases duplicated (TC; older notation c.923_924dupTC).
Protein change: p.Thr309fs; shifts the reading frame from threonine 309.
Molecular consequence: frameshift variant.
Genome position (GRCh38, 1-based): chr6:50,838,076-50,838,077, TC duplicated; duplicating any 2 consecutive bases within chr6:50,838,075-50,838,077 gives the same sequence; the c. name uses the placement nearest the transcript's 3' end. VCF-style (leftmost placement, unchanged base first): chr6-50838074-A-ACT. GRCh37 (hg19) VCF-style: chr6-50805787-A-ACT.
Other names: short protein forms T309fs.
Identifiers: ClinVar variation 5007073 (VCV005007073.2).
Genomic context (GRCh38, chr6:50,838,074, plus strand): 5'-GCTAGAAAAAATCGGTTTGAATTTACCCGCGGGCAGGCGCAAAGCAGCAAATGTCACGTT[A>ACT]CTCACCTCCCTGGTGGAAGGTAAGCAAGACGTGTGGCCATTTCACGAAGTGGCTGAGCTT-3'